The following is an entry in ClinVar:

ClinVar aggregate classification (germline): Conflicting classifications of pathogenicity. Review status: criteria provided, conflicting classifications (1 of 4 stars). 2 submissions from 2 submitters: Uncertain significance (1); Likely benign (1). Last evaluated 2025-01-06.

Conditions:
Inborn genetic diseases. Identifiers: MedGen C0950123, MeSH D030342.

Allele frequency attached by ClinVar (database versions not stated): TOPMed below 0.00001; gnomAD 0.00001; ExAC 0.00002; gnomAD exomes 0.00002.
gnomAD v4.1: 26 of 1,613,794 alleles (0.0016%); highest among the groups gnomAD compares: East Asian, 0.0022%; no homozygotes.

Submissions (2):

Labcorp Genetics (formerly Invitae), Labcorp
Classification: Uncertain significance. Last evaluated: 2025-01-06. Review status: criteria provided, single submitter. Criteria: Invitae Variant Classification Sherloc (09022015). Collection method: clinical testing. Allele origin: germline.
Comment: This sequence change replaces arginine, which is basic and polar, with glutamine, which is neutral and polar, at codon 1560 of the RAI1 protein (p.Arg1560Gln). This variant is present in population databases (rs779135088, gnomAD 0.004%). This variant has not been reported in the literature in individuals affected with RAI1-related conditions. ClinVar contains an entry for this variant (Variation ID: 1432236). Invitae Evidence Modeling of protein sequence and biophysical properties (such as structural, functional, and spatial information, amino acid conservation, physicochemical variation, residue mobility, and thermodynamic stability) indicates that this missense variant is not expected to disrupt RAI1 protein function with a negative predictive value of 80%. In summary, the available evidence is currently insufficient to determine the role of this variant in disease. Therefore, it has been classified as a Variant of Uncertain Significance.

Ambry Genetics
Classification: Likely benign for Inborn genetic diseases. Last evaluated: 2023-10-17. Review status: criteria provided, single submitter. Criteria: Ambry Variant Classification Scheme 2023. Collection method: clinical testing. Allele origin: germline.

NM_030665.4(RAI1):c.4679G>A (p.Arg1560Gln)

Gene: RAI1 (retinoic acid induced 1; plus strand). Cytogenetic location: 17p11.2.
Variant type: single nucleotide variant.
Coding change: c.4679G>A on transcript NM_030665.4 (MANE Select); coding-DNA position 4679, G replaced by A.
Protein change: p.Arg1560Gln; replaces arginine 1560 with glutamine.
Molecular consequence: missense variant.
Genome position (GRCh38, 1-based): chr17:17,797,627, G>A. VCF-style: chr17-17797627-G-A. GRCh37 (hg19) VCF-style: chr17-17700941-G-A.
Other names: c.4679G>A (NM_030665.3); short protein forms R1560Q.
Identifiers: ClinVar variation 1432236 (VCV001432236.9), dbSNP rs779135088, ClinGen allele CA8419004.